The following is an entry in ClinVar:

NM_005676.5(RBM10):c.2038C>T (p.Arg680Ter)

Gene: RBM10 (RNA binding motif protein 10; plus strand). Cytogenetic location: Xp11.3.
Variant type: single nucleotide variant.
Coding change: c.2038C>T on transcript NM_005676.5 (MANE Select); coding-DNA position 2038, C replaced by T.
Protein change: p.Arg680Ter; replaces arginine 680 with a stop codon.
Molecular consequence: nonsense.
Genome position (GRCh38, 1-based): chrX:47,185,142, C>T. VCF-style: chrX-47185142-C-T. GRCh37 (hg19) VCF-style: chrX-47044541-C-T.
Other names: c.1807C>T, p.Arg603Ter (NM_001204466.2); c.2035C>T, p.Arg679Ter (NM_001204467.2); c.2233C>T, p.Arg745Ter (NM_001204468.2); c.1804C>T, p.Arg602Ter (NM_152856.3); short protein forms R602*, R603*, R679*, R680*, R745*.
Identifiers: ClinVar variation 2573842 (VCV002573842.1), dbSNP rs1935810876, ClinGen allele CA412806195.

ClinVar aggregate classification (germline): Pathogenic (1 of 4 stars; one submission).

Allele frequency attached by ClinVar (database versions not stated): gnomAD exomes below 0.00001.
gnomAD v4.1: 1 of 1,212,052 alleles (0.000083%); no homozygotes.

Submission:

GeneDx
Classification: Pathogenic. Last evaluated: 2023-07-14. Review status: criteria provided, single submitter. Criteria: GeneDx Variant Classification Process June 2021. Collection method: clinical testing. Allele origin: germline. Affected: yes.
Comment: Nonsense variant predicted to result in protein truncation or nonsense mediated decay in a gene for which loss-of-function is a known mechanism of disease; Not observed at significant frequency in large population cohorts (gnomAD); This variant is associated with the following publications: (PMID: 37340830)